The following is an entry in ClinVar:

NM_003718.5(CDK13):c.1019C>T (p.Ser340Phe)

Gene: CDK13 (cyclin dependent kinase 13; plus strand). Cytogenetic location: 7p14.1.
Variant type: single nucleotide variant.
Coding change: c.1019C>T on transcript NM_003718.5 (MANE Select); coding-DNA position 1019, C replaced by T.
Protein change: p.Ser340Phe; replaces serine 340 with phenylalanine.
Molecular consequence: missense variant.
Genome position (GRCh38, 1-based): chr7:39,951,660, C>T. VCF-style: chr7-39951660-C-T. GRCh37 (hg19) VCF-style: chr7-39991259-C-T.
Other names: c.1019C>T, p.Ser340Phe (NM_031267.4); short protein forms S340F.
Identifiers: ClinVar variation 1695187 (VCV001695187.31), dbSNP rs13622, ClinGen allele CA157707232.

ClinVar aggregate classification (germline): Uncertain significance (1 of 4 stars; one submission).

Submission:

CeGaT Center for Human Genetics Tuebingen
Classification: Uncertain significance. Last evaluated: 2022-05-01. Review status: criteria provided, single submitter. Criteria: CeGaT Center For Human Genetics Tuebingen Variant Classification Criteria Version 2. Collection method: clinical testing. Allele origin: germline. Affected: yes. Observed: 1 variant allele.
Comment: CDK13: PM2, PS2:Moderate